The following is an entry in ClinVar:

NM_025179.4(PLXNA2):c.703C>T (p.Leu235=)

Gene: PLXNA2 (plexin A2; minus strand). Cytogenetic location: 1q32.2.
Variant type: single nucleotide variant.
Coding change: c.703C>T on transcript NM_025179.4 (MANE Select); coding-DNA position 703, C replaced by T.
Protein change: p.Leu235=; no amino-acid change (leucine 235 retained).
Molecular consequence: synonymous variant.
Genome position (GRCh38, 1-based): chr1:208,217,220, G>A on the plus strand (C>T on the coding strand, the complement: PLXNA2 is on the minus strand). VCF-style: chr1-208217220-G-A. GRCh37 (hg19) VCF-style: chr1-208390565-G-A.
Other names: c.703C>T (NM_025179.3).
Identifiers: ClinVar variation 2413258 (VCV002413258.9), dbSNP rs138299553, ClinGen allele CA1374037.

ClinVar aggregate classification (germline): Likely benign. Review status: criteria provided, single submitter (1 of 4 stars). 2 submissions from 2 submitters: Likely benign (1). 1 of the submissions does not count toward it. Last evaluated 2023-06-06.

Conditions:
PLXNA2-related disorder. Also called: PLXNA2-related condition.

Allele frequency attached by ClinVar (database versions not stated): ExAC 0.00002; gnomAD exomes 0.00002; ESP Exome Variant Server 0.00008; gnomAD 0.00011; TOPMed 0.00012.
gnomAD v4.1: 45 of 1,614,100 alleles (0.0028%); highest among the groups gnomAD compares: African/African-American, 0.055%; no homozygotes.

Submissions (2):

Labcorp Genetics (formerly Invitae), Labcorp
Classification: Likely benign. Last evaluated: 2023-06-06. Review status: criteria provided, single submitter. Criteria: Invitae Variant Classification Sherloc (09022015). Collection method: clinical testing. Allele origin: germline.

PreventionGenetics, part of Exact Sciences
Classification: Likely benign for PLXNA2-related condition. Last evaluated: 2021-07-19. Review status: no assertion criteria provided. Collection method: clinical testing. Allele origin: germline. Not counted in ClinVar's aggregate classification.
Comment: This variant is classified as likely benign based on ACMG/AMP sequence variant interpretation guidelines (Richards et al. 2015 PMID: 25741868, with internal and published modifications).